The following is an entry in ClinVar:

ClinVar aggregate classification (germline): Likely benign. Review status: criteria provided, multiple submitters, no conflicts (2 of 4 stars). 3 submissions from 3 submitters: Likely benign (2). 1 of the submissions does not count toward it. Last evaluated 2026-02-02.

Conditions:
SPARC-related disorder. Also called: SPARC-related condition.

Allele frequency attached by ClinVar (database versions not stated): TOPMed 0.00006; ExAC 0.00009; gnomAD 0.00009 and 0.00022; 1000 Genomes Project 30x 0.00047; 1000 Genomes Project 0.00060.
gnomAD v4.1: 563 of 1,614,170 alleles (0.035%); highest among the groups gnomAD compares: East Asian, 1.2%; 10 homozygotes.

Submissions (3):

Labcorp Genetics (formerly Invitae), Labcorp
Classification: Likely benign. Last evaluated: 2026-02-02. Review status: criteria provided, single submitter. Criteria: Invitae Variant Classification Sherloc (09022015). Collection method: clinical testing. Allele origin: germline.

Blueprint Genetics
Classification: Likely benign. Last evaluated: 2024-05-20. Review status: criteria provided, single submitter. Criteria: ACMG Guidelines, 2015. Collection method: clinical testing. Allele origin: germline.

PreventionGenetics, part of Exact Sciences
Classification: Likely benign for SPARC-related condition. Last evaluated: 2019-06-19. Review status: no assertion criteria provided. Collection method: clinical testing. Allele origin: germline. Not counted in ClinVar's aggregate classification.
Comment: This variant is classified as likely benign based on ACMG/AMP sequence variant interpretation guidelines (Richards et al. 2015 PMID: 25741868, with internal and published modifications).

NM_003118.4(SPARC):c.513C>G (p.Leu171=)

Gene: SPARC (secreted protein acidic and cysteine rich; minus strand). Cytogenetic location: 5q33.1.
Variant type: single nucleotide variant.
Coding change: c.513C>G on transcript NM_003118.4 (MANE Select); coding-DNA position 513, C replaced by G.
Protein change: p.Leu171=; no amino-acid change (leucine 171 retained).
Molecular consequence: synonymous variant.
Genome position (GRCh38, 1-based): chr5:151,667,539, G>C on the plus strand (C>G on the coding strand, the complement: SPARC is on the minus strand). VCF-style: chr5-151667539-G-C. GRCh37 (hg19) VCF-style: chr5-151047100-G-C.
Other names: c.510C>G, p.Leu170= (NM_001309443.2); c.513C>G, p.Leu171= (NM_001309444.2).
Identifiers: ClinVar variation 732215 (VCV000732215.13), dbSNP rs2304049, ClinGen allele CA3522660.
Genomic context (GRCh38, chr5:151,667,539, plus strand): 5'-CTTCTCAGTCAGAAGGTTGTTGTCCTCATCCCTCTCATACAGGGTGACCAGGACGTTCTT[G>C]AGCCAGTCCCGCATGCGCAGGGGGAATTCGGTCAGCTCAGAGTCCAGGCAAGGGGGGATG-3'
Protein context (NP_003109.1, residues 161-181): TEFPLRMRDW[Leu171=]KNVLVTLYER